The following is an entry in ClinVar:

ClinVar aggregate classification (germline): Uncertain significance (1 of 4 stars; one submission).

Conditions:
Landau-Kleffner syndrome (FESD). Also called: APHASIA, ACQUIRED, WITH EPILEPSY; EPILEPSY, FOCAL, WITH SPEECH DISORDER AND WITH OR WITHOUT MENTAL RETARDATION. Identifiers: Orphanet 1945, Orphanet 725, Orphanet 98818, MedGen C0282512, MONDO:0009509, OMIM 245570.

Submission:

Labcorp Genetics (formerly Invitae), Labcorp
Classification: Uncertain significance for Landau-Kleffner syndrome. Last evaluated: 2025-04-17. Review status: criteria provided, single submitter. Criteria: Invitae Variant Classification Sherloc (09022015). Collection method: clinical testing. Allele origin: germline.
Comment: This sequence change replaces leucine, which is neutral and non-polar, with phenylalanine, which is neutral and non-polar, at codon 1186 of the GRIN2A protein (p.Leu1186Phe). This variant is not present in population databases (gnomAD no frequency). This variant has not been reported in the literature in individuals affected with GRIN2A-related conditions. ClinVar contains an entry for this variant (Variation ID: 1368251). Invitae Evidence Modeling of protein sequence and biophysical properties (such as structural, functional, and spatial information, amino acid conservation, physicochemical variation, residue mobility, and thermodynamic stability) indicates that this missense variant is not expected to disrupt GRIN2A protein function with a negative predictive value of 95%. In summary, the available evidence is currently insufficient to determine the role of this variant in disease. Therefore, it has been classified as a Variant of Uncertain Significance.

NM_001134407.3(GRIN2A):c.3556C>T (p.Leu1186Phe)

Gene: GRIN2A (glutamate ionotropic receptor NMDA type subunit 2A; minus strand). Cytogenetic location: 16p13.2.
Variant type: single nucleotide variant.
Coding change: c.3556C>T on transcript NM_001134407.3 (MANE Select); coding-DNA position 3556, C replaced by T.
Protein change: p.Leu1186Phe; replaces leucine 1186 with phenylalanine.
Molecular consequence: missense variant.
Genome position (GRCh38, 1-based): chr16:9,763,988, G>A on the plus strand (C>T on the coding strand, the complement: GRIN2A is on the minus strand). VCF-style: chr16-9763988-G-A. GRCh37 (hg19) VCF-style: chr16-9857845-G-A.
Other names: c.3556C>T, p.Leu1186Phe (NM_000833.5, NM_001134408.2); short protein forms L1186F.
Identifiers: ClinVar variation 1368251 (VCV001368251.8), dbSNP rs763440308, ClinGen allele CA394707367.